The following is an entry in ClinVar:

NM_004415.4(DSP):c.3084+24T>G

Gene: DSP (desmoplakin; plus strand). Cytogenetic location: 6p24.3.
Variant type: single nucleotide variant.
Coding change: c.3084+24T>G on transcript NM_004415.4 (MANE Select); 24 bases into the intron after coding-DNA position 3084, T replaced by G.
Molecular consequence: intron variant.
Genome position (GRCh38, 1-based): chr6:7,578,586, T>G. VCF-style: chr6-7578586-T-G. GRCh37 (hg19) VCF-style: chr6-7578819-T-G.
Other names: c.3084+24T>G (NM_004415.3, LRG_423t1, NM_001319034.2 and 1 more transcripts).
Identifiers: ClinVar variation 259383 (VCV000259383.6), dbSNP rs2806229, ClinGen allele CA036894.

ClinVar aggregate classification (germline): Benign. Review status: criteria provided, multiple submitters, no conflicts (2 of 4 stars). 8 submissions from 4 submitters: Benign (8). Last evaluated 2026-09-21.

Conditions:
Keratosis palmoplantaris striata 2. Also called: Keratosis palmoplantaris striata II; KERATODERMA, PALMOPLANTAR, STRIATE FORM II; STRIATE PALMOPLANTAR KERATODERMA II. Identifiers: MedGen C1852127, MONDO:0013034, OMIM 612908.
Cardiomyopathy, dilated, with wooly hair, keratoderma, and tooth agenesis. Also called: Erythrokeratodermia-cardiomyopathy syndrome; Cardiomyopathy, dilated, with woolly hair, keratoderma, and tooth agenesis. Identifiers: Orphanet 476096, Orphanet 65282, MedGen C4014393, MONDO:0014355, OMIM 615821.
Lethal acantholytic epidermolysis bullosa (EBLA). Identifiers: Orphanet 158687, MedGen C1864826, MONDO:0012323, OMIM 609638.
Woolly hair-skin fragility syndrome (WHSF). Identifiers: Orphanet 293165, MedGen C1843292, MONDO:0957307, OMIM 620415.
Arrhythmogenic cardiomyopathy with wooly hair and keratoderma. Also called: Arrhythmogenic cardiomyopathy with woolly hair and keratoderma; PALMOPLANTAR KERATODERMA WITH LEFT VENTRICULAR CARDIOMYOPATHY AND WOOLLY HAIR; Dilated cardiomyopathy with woolly hair and keratoderma; Carvajal syndrome. Identifiers: Orphanet 65282, MedGen C1854063, MONDO:0011581, OMIM 605676.

Allele frequency attached by ClinVar (database versions not stated): TOPMed 0.75597; gnomAD exomes 0.77580; 1000 Genomes Project 30x 0.73688; ESP Exome Variant Server 0.75342; ExAC 0.77315; 1000 Genomes Project 0.74002; gnomAD 0.74918 and 0.75128.
gnomAD v4.1: 1,235,701 of 1,576,868 alleles (78%); highest among the groups gnomAD compares: East Asian, 81%; 485,718 homozygotes.

Submissions (8):

Molecular Diagnostic Laboratory for Inherited Cardiovascular Disease, Montreal Heart Institute
Classification: Benign. Last evaluated: 2026-09-21. Review status: criteria provided, single submitter. Criteria: ACMG Guidelines, 2015. Collection method: clinical testing. Allele origin: germline. Affected: no.

Genome-Nilou Lab
Classification: Benign for Arrhythmogenic cardiomyopathy with wooly hair and keratoderma. Last evaluated: 2021-07-30. Review status: criteria provided, single submitter. Criteria: ACMG Guidelines, 2015. Collection method: clinical testing. Allele origin: germline. Affected: no.

Genome-Nilou Lab
Classification: Benign for Cardiomyopathy, dilated, with wooly hair, keratoderma, and tooth agenesis. Last evaluated: 2021-07-30. Review status: criteria provided, single submitter. Criteria: ACMG Guidelines, 2015. Collection method: clinical testing. Allele origin: germline. Affected: no.

Genome-Nilou Lab
Classification: Benign for Lethal acantholytic epidermolysis bullosa. Last evaluated: 2021-07-30. Review status: criteria provided, single submitter. Criteria: ACMG Guidelines, 2015. Collection method: clinical testing. Allele origin: germline. Affected: no.

Genome-Nilou Lab
Classification: Benign for Keratosis palmoplantaris striata 2. Last evaluated: 2021-07-30. Review status: criteria provided, single submitter. Criteria: ACMG Guidelines, 2015. Collection method: clinical testing. Allele origin: germline. Affected: no.

Genome-Nilou Lab
Classification: Benign for Arrhythmogenic cardiomyopathy with wooly hair and keratoderma. Last evaluated: 2021-07-30. Review status: criteria provided, single submitter. Criteria: ACMG Guidelines, 2015. Collection method: clinical testing. Allele origin: germline. Affected: no.

GeneDx
Classification: Benign. Last evaluated: 2018-06-15. Review status: criteria provided, single submitter. Criteria: GeneDx Variant Classification (06012015). Collection method: clinical testing. Allele origin: germline. Affected: yes.
Comment: This variant is considered likely benign or benign based on one or more of the following criteria: it is a conservative change, it occurs at a poorly conserved position in the protein, it is predicted to be benign by multiple in silico algorithms, and/or has population frequency not consistent with disease.

PreventionGenetics, part of Exact Sciences
Classification: Benign. Review status: criteria provided, single submitter. Criteria: ACMG Guidelines, 2015. Collection method: clinical testing. Allele origin: germline.